The following is an entry in ClinVar:

NM_001232.4(CASQ2):c.781del (p.Trp261fs)

Gene: CASQ2 (calsequestrin 2; minus strand). Cytogenetic location: 1p13.1.
Variant type: Deletion.
Coding change: c.781del on transcript NM_001232.4 (MANE Select); coding-DNA position 781, one base deleted (T; older notation c.781delT).
Protein change: p.Trp261fs; shifts the reading frame from tryptophan 261.
Molecular consequence: frameshift variant.
Genome position (GRCh38, 1-based): chr1:115,725,510, A deleted on the plus strand (T on the coding strand, the reverse complement: CASQ2 is on the minus strand). VCF-style (leftmost placement, unchanged base first): chr1-115725509-CA-C. GRCh37 (hg19) VCF-style: chr1-116268130-CA-C.
Other names: short protein forms W261fs.
Identifiers: ClinVar variation 2822271 (VCV002822271.3), dbSNP rs2464889047, ClinGen allele CA1682913323.

ClinVar aggregate classification (germline): Pathogenic (1 of 4 stars; one submission).

Conditions:
Catecholaminergic polymorphic ventricular tachycardia 1. Also called: VENTRICULAR TACHYCARDIA, STRESS-INDUCED POLYMORPHIC 1; VENTRICULAR TACHYCARDIA, CATECHOLAMINERGIC POLYMORPHIC, 1, WITH OR WITHOUT ATRIAL DYSFUNCTION AND/OR DILATED CARDIOMYOPATHY; RYR2-Related Catecholaminergic Polymorphic Ventricular Tachycardia. Identifiers: Orphanet 3286, MedGen C1631597, MONDO:0011484, OMIM 604772.

Submission:

Labcorp Genetics (formerly Invitae), Labcorp
Classification: Pathogenic for Catecholaminergic polymorphic ventricular tachycardia 1. Last evaluated: 2023-01-01. Review status: criteria provided, single submitter. Criteria: Invitae Variant Classification Sherloc (09022015). Collection method: clinical testing. Allele origin: germline.
Comment: This variant has not been reported in the literature in individuals affected with CASQ2-related conditions. For these reasons, this variant has been classified as Pathogenic. This variant is not present in population databases (gnomAD no frequency). This sequence change creates a premature translational stop signal (p.Trp261Glyfs*5) in the CASQ2 gene. It is expected to result in an absent or disrupted protein product. Loss-of-function variants in CASQ2 are known to be pathogenic (PMID: 12386154).

Literature cited by the submitters: PubMed 12386154.